The following is an entry in ClinVar:

ClinVar aggregate classification (germline): Likely pathogenic (1 of 4 stars; one submission).

Conditions:
Cone-rod dystrophy 16 (CORD16). Identifiers: MedGen C3281045, MONDO:0013786, OMIM 614500.

Submission:

3billion
Classification: Likely pathogenic for Cone-rod dystrophy 16. Last evaluated: 2025-01-18. Review status: criteria provided, single submitter. Criteria: ACMG Guidelines, 2015. Collection method: clinical testing. Allele origin: germline. Affected: yes.
Comment: The variant is not observed in the gnomAD v4.1.0 dataset. Predicted Consequence/Location: Frameshift: predicted to result in a loss or disruption of normal protein function through protein truncation. The predicted truncated protein may be shortened by more than 10%. Therefore, this variant is classified as Likely pathogenic according to the recommendation of ACMG/AMP guideline.

NM_177965.4(CFAP418):c.536_537dup (p.Ala180fs)

Gene: CFAP418 (cilia and flagella associated protein 418; minus strand). Cytogenetic location: 8q22.1.
Variant type: Microsatellite.
Coding change: c.536_537dup on transcript NM_177965.4 (MANE Select); coding-DNA positions 536 to 537, 2 bases duplicated (AT; older notation c.536_537dupAT).
Protein change: p.Ala180fs; shifts the reading frame from alanine 180.
Molecular consequence: frameshift variant.
Genome position (GRCh38, 1-based): chr8:95,247,704-95,247,705, AT duplicated on the plus strand (AT on the coding strand, the reverse complement: CFAP418 is on the minus strand); duplicating any 2 consecutive bases within chr8:95,247,704-95,247,707 gives the same sequence; the c. name uses the placement nearest the transcript's 3' end. VCF-style (leftmost placement, unchanged base first): chr8-95247703-C-CAT. GRCh37 (hg19) VCF-style: chr8-96259931-C-CAT.
Other names: c.440_441dup, p.Ala148fs (NM_001363260.1); short protein forms A148fs, A180fs.
Identifiers: ClinVar variation 4293958 (VCV004293958.1).
Genomic context (GRCh38, chr8:95,247,703, plus strand): 5'-GCTGATGATCTGTCTGAAGGTCAGTCACTTCTTCAATAGTTCTCCAGCTACACTGGCAGG[C>CAT]ATATGCCCGTGTTCCTTTCTTCTTTATCAACTTTGCTTTTAATTTGTGAAATTCTGGCAT-3'